The following is an entry in ClinVar:

ClinVar aggregate classification (germline): Benign (1 of 4 stars; one submission).

Allele frequency attached by ClinVar (database versions not stated): gnomAD exomes 0.00328; gnomAD 0.03277 and 0.03519; ESP Exome Variant Server 0.03548; 1000 Genomes Project 0.03674; TOPMed 0.03681; 1000 Genomes Project 30x 0.03873.
gnomAD v4.1: 9,720 of 1,521,900 alleles (0.64%); highest among the groups gnomAD compares: African/African-American, 11%; 510 homozygotes.

Submission:

GeneDx
Classification: Benign. Last evaluated: 2018-06-14. Review status: criteria provided, single submitter. Criteria: GeneDx Variant Classification (06012015). Collection method: clinical testing. Allele origin: germline. Affected: yes.
Comment: This variant is considered likely benign or benign based on one or more of the following criteria: it is a conservative change, it occurs at a poorly conserved position in the protein, it is predicted to be benign by multiple in silico algorithms, and/or has population frequency not consistent with disease.

NM_001128840.3(CACNA1D):c.1479-53G>A

Gene: CACNA1D (calcium voltage-gated channel subunit alpha1 D; plus strand). Cytogenetic location: 3p21.1.
Variant type: single nucleotide variant.
Coding change: c.1479-53G>A on transcript NM_001128840.3 (MANE Select); 53 bases into the intron before coding-DNA position 1479, G replaced by A.
Molecular consequence: intron variant.
Genome position (GRCh38, 1-based): chr3:53,719,702, G>A. VCF-style: chr3-53719702-G-A. GRCh37 (hg19) VCF-style: chr3-53753729-G-A.
Other names: c.1479-53G>A (NM_001128839.3); c.1539-53G>A (NM_000720.4).
Identifiers: ClinVar variation 684107 (VCV000684107.1), dbSNP rs114894623, ClinGen allele CA11569023.
Genomic context (GRCh38, chr3:53,719,702, plus strand): 5'-GTGCTAAGTCCAGGCTGTATGCATGGCTTTTATGATATCTCAGCTGAAATGATGGGGAGT[G>A]TGTGCTCAAGCCCTCGGAACCAGAATCTTAACACTTTTTGTCTTTCTTTCAGTCAAGCCA-3'